The following is an entry in ClinVar:

ClinVar aggregate classification (germline): Uncertain significance (1 of 4 stars; one submission).

Conditions:
SCN11A-related disorder. Also called: SCN11A-related condition.

gnomAD v4.1: 8 of 1,614,078 alleles (0.0005%); highest among the groups gnomAD compares: Non-Finnish European, 0.00051%; no homozygotes.

Submission:

PreventionGenetics, part of Exact Sciences
Classification: Uncertain significance for SCN11A-related condition. Last evaluated: 2022-10-18. Review status: criteria provided, single submitter. Criteria: ACMG Guidelines, 2015. Collection method: clinical testing. Allele origin: germline.
Comment: The SCN11A c.2462G>A variant is predicted to result in the amino acid substitution p.Gly821Glu. To our knowledge, this variant has not been reported in the literature or in a large population database, indicating this variant is rare. At this time, the clinical significance of this variant is uncertain due to the absence of conclusive functional and genetic evidence.

NM_001349253.2(SCN11A):c.2462G>A (p.Gly821Glu)

Gene: SCN11A (sodium voltage-gated channel alpha subunit 11; minus strand). Cytogenetic location: 3p22.2.
Variant type: single nucleotide variant.
Coding change: c.2462G>A on transcript NM_001349253.2 (MANE Select); coding-DNA position 2462, G replaced by A.
Protein change: p.Gly821Glu; replaces glycine 821 with glutamic acid.
Molecular consequence: missense variant.
Genome position (GRCh38, 1-based): chr3:38,894,906, C>T on the plus strand (G>A on the coding strand, the complement: SCN11A is on the minus strand). VCF-style: chr3-38894906-C-T. GRCh37 (hg19) VCF-style: chr3-38936397-C-T.
Other names: c.2462G>A, p.Gly821Glu (NM_014139.3); short protein forms G821E.
Identifiers: ClinVar variation 2634482 (VCV002634482.1), dbSNP rs2470561833, ClinGen allele CA352175090.